The following is an entry in ClinVar:

ClinVar aggregate classification (germline): Uncertain significance (1 of 4 stars; one submission).

Conditions:
TWIST1-related disorder.

Submission:

PreventionGenetics, part of Exact Sciences
Classification: Uncertain significance for TWIST1-related condition. Last evaluated: 2025-03-22. Review status: criteria provided, single submitter. Criteria: ACMG Guidelines, 2015. Collection method: clinical testing. Allele origin: germline.
Comment: The TWIST1 c.569G>C variant is predicted to result in the amino acid substitution p.Trp190Ser. To our knowledge, this variant has not been reported in the literature or in a large population database (gnomAD), indicating this variant is rare. At this time, the clinical significance of this variant is uncertain due to the absence of conclusive functional and genetic evidence.

NM_000474.4(TWIST1):c.569G>C (p.Trp190Ser)

Genes: TWIST1 (twist family bHLH transcription factor 1; minus strand), LOC129998021 (ATAC-STARR-seq lymphoblastoid active region 25682; plus strand). Cytogenetic location: 7p21.1.
Variant type: single nucleotide variant.
Coding change: c.569G>C on transcript NM_000474.4 (MANE Select); coding-DNA position 569, G replaced by C.
Protein change: p.Trp190Ser; replaces tryptophan 190 with serine.
Molecular consequence: missense variant. On other transcripts: non-coding transcript variant (1).
Genome position (GRCh38, 1-based): chr7:19,116,753, C>G on the plus strand (G>C on the coding strand, the complement: TWIST1 is on the minus strand). VCF-style: chr7-19116753-C-G. GRCh37 (hg19) VCF-style: chr7-19156376-C-G.
Other names: short protein forms W190S.
Identifiers: ClinVar variation 5000926 (VCV005000926.1).